The following is an entry in ClinVar:

NM_001164688.2(RD3):c.169G>A (p.Gly57Ser)

Gene: RD3 (RD3 regulator of GUCY2D; minus strand). Cytogenetic location: 1q32.3.
Variant type: single nucleotide variant.
Coding change: c.169G>A on transcript NM_001164688.2 (MANE Select); coding-DNA position 169, G replaced by A.
Protein change: p.Gly57Ser; replaces glycine 57 with serine.
Molecular consequence: missense variant.
Genome position (GRCh38, 1-based): chr1:211,481,247, C>T on the plus strand (G>A on the coding strand, the complement: RD3 is on the minus strand). VCF-style: chr1-211481247-C-T. GRCh37 (hg19) VCF-style: chr1-211654589-C-T.
Other names: c.169G>A, p.Gly57Ser (NM_183059.3); c.169G>A (NM_183059.2); short protein forms G57S.
Identifiers: ClinVar variation 1430354 (VCV001430354.9), dbSNP rs750239049, ClinGen allele CA1381136.

ClinVar aggregate classification (germline): Uncertain significance. Review status: criteria provided, multiple submitters, no conflicts (2 of 4 stars). 2 submissions from 2 submitters: Uncertain significance (2). Last evaluated 2024-11-13.

Conditions:
Inborn genetic diseases. Identifiers: MedGen C0950123, MeSH D030342.
Leber congenital amaurosis 12 (LCA12). Identifiers: Orphanet 65, MedGen C1857743, MONDO:0012525, OMIM 610612.

Allele frequency attached by ClinVar (database versions not stated): gnomAD exomes 0.00001; ExAC 0.00002.
gnomAD v4.1: 13 of 1,614,154 alleles (0.00081%); highest among the groups gnomAD compares: Middle Eastern, 0.016%; no homozygotes.

Submissions (2):

Ambry Genetics
Classification: Uncertain significance for Inborn genetic diseases. Last evaluated: 2024-11-13. Review status: criteria provided, single submitter. Criteria: Ambry Variant Classification Scheme 2023. Collection method: clinical testing. Allele origin: germline.

Labcorp Genetics (formerly Invitae), Labcorp
Classification: Uncertain significance for Leber congenital amaurosis 12. Last evaluated: 2024-02-24. Review status: criteria provided, single submitter. Criteria: Invitae Variant Classification Sherloc (09022015). Collection method: clinical testing. Allele origin: germline.
Comment: This sequence change replaces glycine, which is neutral and non-polar, with serine, which is neutral and polar, at codon 57 of the RD3 protein (p.Gly57Ser). This variant is present in population databases (rs750239049, gnomAD 0.003%). This variant has not been reported in the literature in individuals affected with RD3-related conditions. ClinVar contains an entry for this variant (Variation ID: 1430354). An algorithm developed to predict the effect of missense changes on protein structure and function (PolyPhen-2) suggests that this variant is likely to be tolerated. In summary, the available evidence is currently insufficient to determine the role of this variant in disease. Therefore, it has been classified as a Variant of Uncertain Significance.